The following is an entry in ClinVar:

NM_022114.4(PRDM16):c.1032+14C>T

Gene: PRDM16 (PR/SET domain 16; plus strand). Cytogenetic location: 1p36.32.
Variant type: single nucleotide variant.
Coding change: c.1032+14C>T on transcript NM_022114.4 (MANE Select); 14 bases into the intron after coding-DNA position 1032, C replaced by T.
Molecular consequence: intron variant.
Genome position (GRCh38, 1-based): chr1:3,404,900, C>T. VCF-style: chr1-3404900-C-T. GRCh37 (hg19) VCF-style: chr1-3321464-C-T.
Other names: c.1032+14C>T (NM_199454.3).
Identifiers: ClinVar variation 514199 (VCV000514199.3), dbSNP rs1420211007, ClinGen allele CA520698863.

ClinVar aggregate classification (germline): Likely benign. Review status: criteria provided, multiple submitters, no conflicts (2 of 4 stars). 2 submissions from 2 submitters: Likely benign (2). Last evaluated 2025-07-06.

Conditions:
Left ventricular noncompaction 8 (LVNC8). Identifiers: Orphanet 154, Orphanet 54260, MedGen C3809288, MONDO:0014152, OMIM 615373.

Allele frequency attached by ClinVar (database versions not stated): gnomAD exomes 0.00001; gnomAD 0.00002; TOPMed 0.00002.
gnomAD v4.1: 11 of 1,610,962 alleles (0.00068%); highest among the groups gnomAD compares: African/African-American, 0.0053%; no homozygotes.

Submissions (2):

Labcorp Genetics (formerly Invitae), Labcorp
Classification: Likely benign for Left ventricular noncompaction 8. Last evaluated: 2025-07-06. Review status: criteria provided, single submitter. Criteria: Invitae Variant Classification Sherloc (09022015). Collection method: clinical testing. Allele origin: germline.

GeneDx
Classification: Likely benign. Last evaluated: 2017-12-19. Review status: criteria provided, single submitter. Criteria: GeneDx Variant Classification (06012015). Collection method: clinical testing. Allele origin: germline. Affected: yes.
Comment: This variant is considered likely benign or benign based on one or more of the following criteria: it is a conservative change, it occurs at a poorly conserved position in the protein, it is predicted to be benign by multiple in silico algorithms, and/or has population frequency not consistent with disease.